The following is an entry in ClinVar:

ClinVar aggregate classification (germline): Uncertain significance (1 of 4 stars; one submission).

Submission:

Labcorp Genetics (formerly Invitae), Labcorp
Classification: Uncertain significance. Last evaluated: 2023-02-16. Review status: criteria provided, single submitter. Criteria: Invitae Variant Classification Sherloc (09022015). Collection method: clinical testing. Allele origin: germline.
Comment: This sequence change replaces lysine, which is basic and polar, with arginine, which is basic and polar, at codon 72 of the RPL15 protein (p.Lys72Arg). This variant is not present in population databases (gnomAD no frequency). This variant has not been reported in the literature in individuals affected with RPL15-related conditions. An algorithm developed to predict the effect of missense changes on protein structure and function (PolyPhen-2) suggests that this variant is likely to be tolerated. In summary, the available evidence is currently insufficient to determine the role of this variant in disease. Therefore, it has been classified as a Variant of Uncertain Significance.

NM_002948.5(RPL15):c.215A>G (p.Lys72Arg)

Genes: NKIRAS1 (NFKB inhibitor interacting Ras like 1; minus strand), RPL15 (ribosomal protein L15; plus strand). Cytogenetic location: 3p24.2.
Variant type: single nucleotide variant.
Coding change: c.215A>G on transcript NM_002948.5 (MANE Select); coding-DNA position 215, A replaced by G.
Protein change: p.Lys72Arg; replaces lysine 72 with arginine.
Molecular consequence: missense variant. On other transcripts: intron variant (1).
Genome position (GRCh38, 1-based): chr3:23,918,482, A>G. VCF-style: chr3-23918482-A-G. GRCh37 (hg19) VCF-style: chr3-23959973-A-G.
Other names: c.215A>G, p.Lys72Arg (NM_001253379.2, NM_001253380.2, NM_001253382.2 and 2 more transcripts); c.-139-7032T>C (NM_001377380.1); short protein forms K72R.
Identifiers: ClinVar variation 2837936 (VCV002837936.3), dbSNP rs2471220996, ClinGen allele CA351881632.